The following is an entry in ClinVar:

ClinVar aggregate classification (germline): Likely benign (1 of 4 stars; one submission).

Conditions:
PI4KB-related disorder. Also called: PI4KB-related condition.

gnomAD v4.1: 25 of 1,614,070 alleles (0.0015%); highest among the groups gnomAD compares: Middle Eastern, 0.066%; no homozygotes.

Submission:

PreventionGenetics, part of Exact Sciences
Classification: Likely benign for PI4KB-related condition. Last evaluated: 2026-08-09. Review status: criteria provided, single submitter. Criteria: ACMG Guidelines, 2015. Collection method: clinical testing. Allele origin: germline.
Comment: This variant is classified as likely benign based on ACMG/AMP sequence variant interpretation guidelines (Richards et al. 2015 PMID: 25741868, with internal and published modifications).

NM_001369623.2(PI4KB):c.195C>T (p.Gly65=)

Gene: PI4KB (phosphatidylinositol 4-kinase beta; minus strand). Cytogenetic location: 1q21.3.
Variant type: single nucleotide variant.
Coding change: c.195C>T on transcript NM_001369623.2 (MANE Select); coding-DNA position 195, C replaced by T.
Protein change: p.Gly65=; no amino-acid change (glycine 65 retained).
Molecular consequence: synonymous variant. On other transcripts: intron variant (1).
Genome position (GRCh38, 1-based): chr1:151,316,287, G>A on the plus strand (C>T on the coding strand, the complement: PI4KB is on the minus strand). VCF-style: chr1-151316287-G-A. GRCh37 (hg19) VCF-style: chr1-151288763-G-A.
Other names: c.195C>T, p.Gly65= (NM_001198773.3, NM_001198774.2, NM_001330721.2 and 3 more transcripts); c.231C>T, p.Gly77= (NM_001369625.1, NM_001369628.1, NM_002651.4); c.-42-8486C>T (NM_001198775.3).
Identifiers: ClinVar variation 4977440 (VCV004977440.1).